The following is an entry in ClinVar:

NM_014855.3(AP5Z1):c.870G>A (p.Arg290=)

Gene: AP5Z1 (adaptor related protein complex 5 subunit zeta 1; plus strand). Cytogenetic location: 7p22.1.
Variant type: single nucleotide variant.
Coding change: c.870G>A on transcript NM_014855.3 (MANE Select); coding-DNA position 870, G replaced by A.
Protein change: p.Arg290=; no amino-acid change (arginine 290 retained).
Molecular consequence: synonymous variant. On other transcripts: non-coding transcript variant (1).
Genome position (GRCh38, 1-based): chr7:4,784,987, G>A. VCF-style: chr7-4784987-G-A. GRCh37 (hg19) VCF-style: chr7-4824618-G-A.
Other names: p.Arg290=; c.402G>A, p.Arg134= (NM_001364858.1).
Identifiers: ClinVar variation 4683253 (VCV004683253.1).

ClinVar aggregate classification (germline): Likely benign (1 of 4 stars; one submission).

gnomAD v4.1: 21 of 1,612,018 alleles (0.0013%); highest among the groups gnomAD compares: South Asian, 0.0033%; no homozygotes.

Submission:

Mayo Clinic Laboratories, Mayo Clinic
Classification: Likely benign. Last evaluated: 2025-10-12. Review status: criteria provided, single submitter. Criteria: ACMG Guidelines, 2015. Collection method: clinical testing. Allele origin: germline. Observed: 2 variant alleles.
Comment: BP4, BP7